The following is an entry in ClinVar:

NM_002187.3(IL12B):c.282dup (p.Glu95fs)

Gene: IL12B (interleukin 12B; minus strand). Cytogenetic location: 5q33.3.
Variant type: Duplication.
Coding change: c.282dup on transcript NM_002187.3 (MANE Select); coding-DNA position 282, one base duplicated (C; older notation c.282dupC).
Protein change: p.Glu95fs; shifts the reading frame from glutamic acid 95.
Molecular consequence: frameshift variant.
Genome position (GRCh38, 1-based): chr5:159,323,136, G duplicated on the plus strand (C on the coding strand, the reverse complement: IL12B is on the minus strand). VCF-style (leftmost placement, unchanged base first): chr5-159323135-C-CG. GRCh37 (hg19) VCF-style: chr5-158750143-C-CG.
Other names: c.282dupC (NM_002187.3); short protein forms E95fs.
Identifiers: ClinVar variation 4071541 (VCV004071541.1).
Genomic context (GRCh38, chr5:159,323,135, plus strand): 5'-CAGTGGACCAAATTCCATCTTCCTTTTTGTGAAGCAGCAGGAGCGAATGGCTTAGAACCT[C>CG]GCCTCCTTTGTGACAGGTGTACTGGCCAGCATCTCCAAACTCTTTGACTTGGATGGTCAG-3'

ClinVar aggregate classification (germline): Likely pathogenic (1 of 4 stars; one submission).

Conditions:
Mendelian susceptibility to mycobacterial diseases due to complete IL12B deficiency. Also called: IL12B DEFICIENCY; Immunodeficiency 29. Identifiers: Orphanet 319558, MedGen C4013948, MONDO:0013954, OMIM 614890.

Submission:

Next Generation Genetic Polyclinic
Classification: Likely pathogenic for Mendelian susceptibility to mycobacterial diseases due to complete IL12B deficiency. Last evaluated: 2025-04-28. Review status: criteria provided, single submitter. Criteria: ACMG Guidelines, 2015. Collection method: curation. Allele origin: germline. Affected: yes. Observed: 1 variant allele.
Comment: Novel duplication variant in IL12B gene (NM_002187.3:c.282dupC), classified as likely pathogenic. This germline alteration is homozygous and associated with autosomal recessive inheritance. It is a novel finding, not present in gnomAD or other population databases (PM2). The variant disrupts coding sequence and is predicted to have a deleterious effect on protein function. Sanger sequencing confirmed variant presence. No prior reports are available in ClinVar or published literature. ACMG criteria support pathogenicity: PM2, PP3, PP4 (if clinical phenotype aligns with IL-12B deficiency).